The following is an entry in ClinVar:

NM_182972.3(IRF2BP2):c.1654G>A (p.Gly552Arg)

Gene: IRF2BP2 (interferon regulatory factor 2 binding protein 2; minus strand). Cytogenetic location: 1q42.3.
Variant type: single nucleotide variant.
Coding change: c.1654G>A on transcript NM_182972.3 (MANE Select); coding-DNA position 1654, G replaced by A.
Protein change: p.Gly552Arg; replaces glycine 552 with arginine.
Molecular consequence: missense variant.
Genome position (GRCh38, 1-based): chr1:234,607,247, C>T on the plus strand (G>A on the coding strand, the complement: IRF2BP2 is on the minus strand). VCF-style: chr1-234607247-C-T. GRCh37 (hg19) VCF-style: chr1-234742993-C-T.
Other names: c.1606G>A, p.Gly536Arg (NM_001077397.1); short protein forms G536R, G552R.
Identifiers: ClinVar variation 4779426 (VCV004779426.1).

ClinVar aggregate classification (germline): Uncertain significance (1 of 4 stars; one submission).

gnomAD v4.1: 5 of 1,614,194 alleles (0.00031%); highest among the groups gnomAD compares: Admixed American, 0.0017%; no homozygotes.

Submission:

Labcorp Genetics (formerly Invitae), Labcorp
Classification: Uncertain significance. Last evaluated: 2025-05-01. Review status: criteria provided, single submitter. Criteria: Invitae Variant Classification Sherloc (09022015). Collection method: clinical testing. Allele origin: germline.
Comment: This sequence change replaces glycine, which is neutral and non-polar, with arginine, which is basic and polar, at codon 552 of the IRF2BP2 protein (p.Gly552Arg). This variant is present in population databases (rs749143055, gnomAD 0.003%). This variant has not been reported in the literature in individuals affected with IRF2BP2-related conditions. An algorithm developed to predict the effect of missense changes on protein structure and function (PolyPhen-2) suggests that this variant is likely to be disruptive. In summary, the available evidence is currently insufficient to determine the role of this variant in disease. Therefore, it has been classified as a Variant of Uncertain Significance.